The following is an entry in ClinVar:

ClinVar aggregate classification (germline): Conflicting classifications of pathogenicity. Review status: criteria provided, conflicting classifications (1 of 4 stars). 5 submissions from 5 submitters: Uncertain significance (2); Benign (1); Likely benign (2). Last evaluated 2025-06-12.

Conditions:
Inborn genetic diseases. Identifiers: MedGen C0950123, MeSH D030342.
Retinitis pigmentosa (RP). Identifiers: Orphanet 791, MedGen C0035334, MeSH D012174, MONDO:0019200, OMIM 268000. Inheritance: Autosomal dominant, autosomal recessive and X linked inheritance.
TOPORS-related disorder. Also called: TOPORS-related condition.

Allele frequency attached by ClinVar (database versions not stated): gnomAD exomes 0.00006; ExAC 0.00007; 1000 Genomes Project 30x 0.00016; gnomAD 0.00019; 1000 Genomes Project 0.00020; ESP Exome Variant Server 0.00023; TOPMed 0.00026.
gnomAD v4.1: 52 of 1,614,188 alleles (0.0032%); highest among the groups gnomAD compares: African/African-American, 0.065%; no homozygotes.

Submissions (5):

Labcorp Genetics (formerly Invitae), Labcorp
Classification: Likely benign. Last evaluated: 2025-06-12. Review status: criteria provided, single submitter. Criteria: Invitae Variant Classification Sherloc (09022015). Collection method: clinical testing. Allele origin: germline.

PreventionGenetics, part of Exact Sciences
Classification: Likely benign for TOPORS-related condition. Last evaluated: 2025-05-30. Review status: criteria provided, single submitter. Criteria: ACMG Guidelines, 2015. Collection method: clinical testing. Allele origin: germline.
Comment: This variant is classified as likely benign based on ACMG/AMP sequence variant interpretation guidelines (Richards et al. 2015 PMID: 25741868, with internal and published modifications).

Blueprint Genetics
Classification: Benign. Last evaluated: 2022-07-15. Review status: criteria provided, single submitter. Criteria: ACMG Guidelines, 2015. Collection method: clinical testing. Allele origin: germline.

Ambry Genetics
Classification: Uncertain significance for Inborn genetic diseases. Last evaluated: 2022-06-09. Review status: criteria provided, single submitter. Criteria: Ambry Variant Classification Scheme 2023. Collection method: clinical testing. Allele origin: germline.

Illumina Laboratory Services, Illumina
Classification: Uncertain significance for Retinitis pigmentosa. Last evaluated: 2018-01-12. Review status: criteria provided, single submitter. Criteria: ICSL Variant Classification Criteria 13 December 2019. Collection method: clinical testing. Allele origin: germline.

NM_005802.5(TOPORS):c.2347G>C (p.Gly783Arg)

Gene: TOPORS (TOP1 binding arginine/serine rich protein, E3 ubiquitin ligase; minus strand). Cytogenetic location: 9p21.1.
Variant type: single nucleotide variant.
Coding change: c.2347G>C on transcript NM_005802.5 (MANE Select); coding-DNA position 2347, G replaced by C.
Protein change: p.Gly783Arg; replaces glycine 783 with arginine.
Molecular consequence: missense variant.
Genome position (GRCh38, 1-based): chr9:32,542,178, C>G on the plus strand (G>C on the coding strand, the complement: TOPORS is on the minus strand). VCF-style: chr9-32542178-C-G. GRCh37 (hg19) VCF-style: chr9-32542176-C-G.
Other names: c.2152G>C, p.Gly718Arg (NM_001195622.2); short protein forms G783R, G718R.
Identifiers: ClinVar variation 366565 (VCV000366565.15), dbSNP rs148620735, ClinGen allele CA5020385.